The following is an entry in ClinVar:

ClinVar aggregate classification (germline): Uncertain significance (1 of 4 stars; one submission).

gnomAD v4.1: 28 of 1,614,008 alleles (0.0017%); highest among the groups gnomAD compares: Non-Finnish European, 0.0024%; no homozygotes.

Submission:

Women's Health and Genetics/Laboratory Corporation of America, LabCorp
Classification: Uncertain significance. Last evaluated: 2025-01-31. Review status: criteria provided, single submitter. Criteria: LabCorp Variant Classification Summary - May 2015. Collection method: clinical testing. Allele origin: germline.
Comment: Variant summary: ASH1L c.8679A>C (p.Lys2893Asn) results in a non-conservative amino acid change in the encoded protein sequence. Three of five in-silico tools predict a damaging effect of the variant on protein function. The variant was absent in 251490 control chromosomes. The available data on variant occurrences in the general population are insufficient to allow any conclusion about variant significance. To our knowledge, no occurrence of c.8679A>C in individuals affected with Intellectual Disability, Autosomal Dominant 52 and no experimental evidence demonstrating its impact on protein function have been reported. No submitters have cited clinical-significance assessments for this variant to ClinVar. Based on the evidence outlined above, the variant was classified as uncertain significance.

NM_018489.3(ASH1L):c.8679A>C (p.Lys2893Asn)

Gene: ASH1L (ASH1 like histone lysine methyltransferase; minus strand). Cytogenetic location: 1q22.
Variant type: single nucleotide variant.
Coding change: c.8679A>C on transcript NM_018489.3 (MANE Select); coding-DNA position 8679, A replaced by C.
Protein change: p.Lys2893Asn; replaces lysine 2893 with asparagine.
Molecular consequence: missense variant.
Genome position (GRCh38, 1-based): chr1:155,338,213, T>G on the plus strand (A>C on the coding strand, the complement: ASH1L is on the minus strand). VCF-style: chr1-155338213-T-G. GRCh37 (hg19) VCF-style: chr1-155308004-T-G.
Other names: c.8694A>C, p.Lys2898Asn (NM_001366177.2); short protein forms K2893N, K2898N.
Identifiers: ClinVar variation 3769397 (VCV003769397.2).